The following is an entry in ClinVar:

NM_000352.6(ABCC8):c.4608+10C>T

Gene: ABCC8 (ATP binding cassette subfamily C member 8; minus strand). Cytogenetic location: 11p15.1.
Variant type: single nucleotide variant.
Coding change: c.4608+10C>T on transcript NM_000352.6 (MANE Select); 10 bases into the intron after coding-DNA position 4608, C replaced by T.
Molecular consequence: intron variant.
Genome position (GRCh38, 1-based): chr11:17,393,687, G>A on the plus strand (C>T on the coding strand, the complement: ABCC8 is on the minus strand). VCF-style: chr11-17393687-G-A. GRCh37 (hg19) VCF-style: chr11-17415234-G-A.
Other names: c.4605+10C>T (NM_001351297.2); c.4608+10C>T (NM_001351296.2); c.4674+10C>T (NM_001351295.2); c.4611+10C>T (NM_001287174.3).
Identifiers: ClinVar variation 761711 (VCV000761711.11), dbSNP rs754304889, ClinGen allele CA5902418.

ClinVar aggregate classification (germline): Conflicting classifications of pathogenicity. Review status: criteria provided, conflicting classifications (1 of 4 stars). 3 submissions from 2 submitters: Uncertain significance (2); Likely benign (1). Last evaluated 2026-01-28.

Conditions:
Transitory neonatal diabetes mellitus. Also called: Transient neonatal diabetes mellitus. Identifiers: MedGen C0342273, MONDO:0020525, HP:0008255.
Maturity-onset diabetes of the young (MODY). Also called: Maturity onset diabetes mellitus in young. Identifiers: Orphanet 552, MedGen C0342276, MONDO:0018911, HP:0004904.

Allele frequency attached by ClinVar (database versions not stated): TOPMed 0.00001; ExAC 0.00002; gnomAD exomes 0.00003 and 0.00007.
gnomAD v4.1: 41 of 1,614,178 alleles (0.0025%); highest among the groups gnomAD compares: East Asian, 0.091%; no homozygotes.

Submissions (3):

Labcorp Genetics (formerly Invitae), Labcorp
Classification: Likely benign. Last evaluated: 2026-01-28. Review status: criteria provided, single submitter. Criteria: Invitae Variant Classification Sherloc (09022015). Collection method: clinical testing. Allele origin: germline.

Clinical Genomics, Uppaluri K&H Personalized Medicine Clinic
Classification: Uncertain significance for Maturity-onset diabetes of the young. Review status: criteria provided, single submitter. Criteria: K & H Uppaluri Personalized Medicine Clinic Variant Classification & Assertion Criteria_Updated V.1. Collection method: research. Allele origin: somatic. Inheritance: Somatic mutation.
Comment: Mutations in ABCC8 gene are associated with both neonatal diabetes mellitus as well as MODY. Patients with this mutation may have a better response to sulfonylureas. However, no sufficient evidence is found to ascertain the role of this particular variant (rs754304889 ) in MODY yet.

Clinical Genomics, Uppaluri K&H Personalized Medicine Clinic
Classification: Uncertain significance for Transitory neonatal diabetes mellitus. Review status: criteria provided, single submitter. Criteria: K & H Uppaluri Personalized Medicine Clinic Variant Classification & Assertion Criteria_Updated V.1. Collection method: research. Allele origin: somatic. Inheritance: Somatic mutation.
Comment: Mutations in ABCC8 gene are associated with both neonatal diabetes mellitus as well as MODY. Patients with this mutation may have a better response to sulfonylureas. However, no sufficient evidence is found to ascertain the role of this particular variant (rs754304889 ) in neonatal diabetes yet.

Literature cited by the submitters: PubMed 16885549 (cited by Clinical Genomics, Uppaluri K&H Personalized Medicine Clinic); PubMed 21989597 (cited by Clinical Genomics, Uppaluri K&H Personalized Medicine Clinic); PubMed 27538677 (cited by Clinical Genomics, Uppaluri K&H Personalized Medicine Clinic); PubMed 18981553 (cited by Clinical Genomics, Uppaluri K&H Personalized Medicine Clinic); PubMed 32027066 (cited by Clinical Genomics, Uppaluri K&H Personalized Medicine Clinic); PubMed 16613899 (cited by Clinical Genomics, Uppaluri K&H Personalized Medicine Clinic); PubMed 18025408 (cited by Clinical Genomics, Uppaluri K&H Personalized Medicine Clinic); PubMed 32792356 (cited by Clinical Genomics, Uppaluri K&H Personalized Medicine Clinic).